The following is an entry in ClinVar:

ClinVar aggregate classification (germline): Conflicting classifications of pathogenicity. Review status: criteria provided, conflicting classifications (1 of 4 stars). 3 submissions from 3 submitters: Uncertain significance (2); Benign (1). Last evaluated 2025-09-09.

Conditions:
Hereditary cancer-predisposing syndrome. Also called: Tumor predisposition; Neoplastic Syndromes, Hereditary; Hereditary neoplastic syndrome; Hereditary Cancer Syndrome. Identifiers: Orphanet 140162, MedGen C0027672, MeSH D009386, MONDO:0015356.
Familial adenomatous polyposis 2. Also called: MYH-associated polyposis; FAP type 2; COLORECTAL ADENOMATOUS POLYPOSIS, AUTOSOMAL RECESSIVE; ADENOMAS, MULTIPLE COLORECTAL, AUTOSOMAL RECESSIVE; MUTYH-related attenuated familial adenomatous polyposis; MUTYH Polyposis. Identifiers: Orphanet 220460, Orphanet 247798, MedGen C3272841, MONDO:0012041, OMIM 608456.

Submissions (3):

Ambry Genetics
Classification: Benign for Hereditary cancer-predisposing syndrome. Last evaluated: 2025-09-09. Review status: criteria provided, single submitter. Criteria: Ambry Variant Classification Scheme 2023. Collection method: clinical testing. Allele origin: germline.

All of Us Research Program, National Institutes of Health
Classification: Uncertain significance for Familial adenomatous polyposis 2. Last evaluated: 2024-09-03. Review status: criteria provided, single submitter. Criteria: ACMG Guidelines, 2015. Collection method: clinical testing. Allele origin: germline. Inheritance: Autosomal recessive inheritance. Observed: 1 variant allele, 1 heterozygote.
Comment: This study involves interpretation of variants in research participants for the purpose of population health screening. Participant phenotype was not available at the time of variant classification. Additional details can be found in publication PMID: 35346344, PMCID: PMC8962531

Labcorp Genetics (formerly Invitae), Labcorp
Classification: Uncertain significance for Familial adenomatous polyposis 2. Last evaluated: 2022-07-12. Review status: criteria provided, single submitter. Criteria: Invitae Variant Classification Sherloc (09022015). Collection method: clinical testing. Allele origin: germline.
Comment: In summary, the available evidence is currently insufficient to determine the role of this variant in disease. Therefore, it has been classified as a Variant of Uncertain Significance. Algorithms developed to predict the effect of missense changes on protein structure and function are either unavailable or do not agree on the potential impact of this missense change (SIFT: "Tolerated"; PolyPhen-2: "Possibly Damaging"; Align-GVGD: "Class C0"). ClinVar contains an entry for this variant (Variation ID: 568404). This variant has not been reported in the literature in individuals affected with MUTYH-related conditions. This variant is not present in population databases (gnomAD no frequency). This sequence change replaces glutamine, which is neutral and polar, with proline, which is neutral and non-polar, at codon 500 of the MUTYH protein (p.Gln500Pro).

NM_001048174.2(MUTYH):c.1415A>C (p.Gln472Pro)

Gene: MUTYH (mutY DNA glycosylase; minus strand). Cytogenetic location: 1p34.1.
Variant type: single nucleotide variant.
Coding change: c.1415A>C on transcript NM_001048174.2 (MANE Select); coding-DNA position 1415, A replaced by C.
Protein change: p.Gln472Pro; replaces glutamine 472 with proline.
Molecular consequence: missense variant. On other transcripts: non-coding transcript variant (2).
Genome position (GRCh38, 1-based): chr1:45,330,535, T>G on the plus strand (A>C on the coding strand, the complement: MUTYH is on the minus strand). VCF-style: chr1-45330535-T-G. GRCh37 (hg19) VCF-style: chr1-45796207-T-G.
Other names: c.1415A>C, p.Gln472Pro (NM_001048171.2, NM_001048173.2, NM_001293195.2); c.1418A>C, p.Gln473Pro (NM_001048172.2); c.1499A>C, p.Gln500Pro (NM_001128425.2); c.1460A>C, p.Gln487Pro (NM_001293190.2); c.1448A>C, p.Gln483Pro (NM_001293191.2); c.1139A>C, p.Gln380Pro (NM_001293192.2, NM_001293196.2); c.1070A>C, p.Gln357Pro (NM_001350650.2, NM_001350651.2); c.1490A>C, p.Gln497Pro (NM_012222.3); short protein forms Q500P, Q380P, Q472P, Q473P, Q497P, Q487P, Q357P, Q483P.
Identifiers: ClinVar variation 568404 (VCV000568404.13), dbSNP rs1557451662, ClinGen allele CA340132354.